The following is an entry in ClinVar:

NM_000264.5(PTCH1):c.3574C>A (p.Arg1192Ser)

Gene: PTCH1 (patched 1; minus strand). Cytogenetic location: 9q22.32.
Variant type: single nucleotide variant.
Coding change: c.3574C>A on transcript NM_000264.5 (MANE Select); coding-DNA position 3574, C replaced by A.
Protein change: p.Arg1192Ser; replaces arginine 1192 with serine.
Molecular consequence: missense variant. On other transcripts: non-coding transcript variant (1).
Genome position (GRCh38, 1-based): chr9:95,449,299, G>T on the plus strand (C>A on the coding strand, the complement: PTCH1 is on the minus strand). VCF-style: chr9-95449299-G-T. GRCh37 (hg19) VCF-style: chr9-98211581-G-T.
Other names: c.3121C>A, p.Arg1041Ser (NM_001083606.3, NM_001083604.3, NM_001083605.3 and 1 more transcripts); c.3376C>A, p.Arg1126Ser (NM_001083602.3); c.3571C>A, p.Arg1191Ser (NM_001083603.3); c.3418C>A, p.Arg1140Ser (NM_001354918.2); short protein forms R1191S, R1041S, R1126S, R1140S, R1192S.
Identifiers: ClinVar variation 2564355 (VCV002564355.5), dbSNP rs571420165, ClinGen allele CA374111369.
Genomic context (GRCh38, chr9:95,449,299, plus strand): 5'-CGGGCGGCATGGCGAAGCGGACCACGCTGGGGGGTGGCTCAGGGGAGGGTGTGGGCAGGC[G>T]GTTCAAGCCGTTGGCTGGAGACACCTATTTAAGGGGATTCCATGTTAAAAGTGTTCTTGT-3'
Protein context (NP_000255.2, residues 1182-1202): PEVSPANGLN[Arg1192Ser]LPTPSPEPPP

ClinVar aggregate classification (germline): Uncertain significance. Review status: criteria provided, multiple submitters, no conflicts (2 of 4 stars). 3 submissions from 3 submitters: Uncertain significance (3). Last evaluated 2024-09-02.

Conditions:
Gorlin syndrome. Also called: Nevoid Basal Cell Carcinoma Syndrome; Basal cell nevus syndrome. Identifiers: Orphanet 377, MedGen C0004779, MONDO:0007187.
Hereditary cancer-predisposing syndrome. Also called: Neoplastic Syndromes, Hereditary; Hereditary Cancer Syndrome; Tumor predisposition; Hereditary neoplastic syndrome. Identifiers: Orphanet 140162, MedGen C0027672, MeSH D009386, MONDO:0015356.

gnomAD v4.1: 1 of 1,554,778 alleles (0.000064%); no homozygotes.

Submissions (3):

Labcorp Genetics (formerly Invitae), Labcorp
Classification: Uncertain significance for Gorlin syndrome. Last evaluated: 2024-09-02. Review status: criteria provided, single submitter. Criteria: Invitae Variant Classification Sherloc (09022015). Collection method: clinical testing. Allele origin: germline.
Comment: This sequence change replaces arginine, which is basic and polar, with serine, which is neutral and polar, at codon 1192 of the PTCH1 protein (p.Arg1192Ser). This variant is not present in population databases (gnomAD no frequency). This missense change has been observed in individual(s) with Kallmann syndrome (PMID: 32074614). ClinVar contains an entry for this variant (Variation ID: 2564355). Invitae Evidence Modeling of protein sequence and biophysical properties (such as structural, functional, and spatial information, amino acid conservation, physicochemical variation, residue mobility, and thermodynamic stability) indicates that this missense variant is not expected to disrupt PTCH1 protein function with a negative predictive value of 95%. In summary, the available evidence is currently insufficient to determine the role of this variant in disease. Therefore, it has been classified as a Variant of Uncertain Significance.

GeneDx
Classification: Uncertain significance. Last evaluated: 2023-07-11. Review status: criteria provided, single submitter. Criteria: GeneDx Variant Classification Process June 2021. Collection method: clinical testing. Allele origin: germline. Affected: yes.
Comment: Not observed at significant frequency in large population cohorts (gnomAD); In silico analysis supports that this missense variant has a deleterious effect on protein structure/function; Identified in an individual with Kallman syndrome and no reported features of NBCCS and in their unaffected mother (Barraud et al., 2020); This variant is associated with the following publications: (PMID: 32074614)

Ambry Genetics
Classification: Uncertain significance for Hereditary cancer-predisposing syndrome. Last evaluated: 2023-03-31. Review status: criteria provided, single submitter. Criteria: Ambry Variant Classification Scheme 2023. Collection method: clinical testing. Allele origin: germline.
Comment: The p.R1192S variant (also known as c.3574C>A), located in coding exon 22 of the PTCH1 gene, results from a C to A substitution at nucleotide position 3574. The arginine at codon 1192 is replaced by serine, an amino acid with dissimilar properties. This alteration has been reported in the literature as being identified in one individual affected with Kallmann syndrome and the patient's unaffected mother (Barraud S et al. Neuroendocrinology, 2021 Mar;111:99-114). This amino acid position is highly conserved in available vertebrate species. In addition, the in silico prediction for this alteration is inconclusive. Since supporting evidence is limited at this time, the clinical significance of this alteration remains unclear.

Literature cited by the submitters: PubMed 32074614 (cited by Labcorp Genetics (formerly Invitae), Labcorp and Ambry Genetics).